The following is an entry in ClinVar:

ClinVar aggregate classification (germline): Uncertain significance (1 of 4 stars; one submission).

Conditions:
Hereditary cancer-predisposing syndrome. Also called: Hereditary neoplastic syndrome; Tumor predisposition; Hereditary Cancer Syndrome; Neoplastic Syndromes, Hereditary. Identifiers: Orphanet 140162, MedGen C0027672, MeSH D009386, MONDO:0015356.

Allele frequency attached by ClinVar (database versions not stated): gnomAD exomes below 0.00001.
gnomAD v4.1: 2 of 1,613,900 alleles (0.00012%); highest among the groups gnomAD compares: East Asian, 0.0045%; no homozygotes.

Submission:

Ambry Genetics
Classification: Uncertain significance for Hereditary cancer-predisposing syndrome. Last evaluated: 2023-07-05. Review status: criteria provided, single submitter. Criteria: Ambry Variant Classification Scheme 2023. Collection method: clinical testing. Allele origin: germline.
Comment: The p.L164V variant (also known as c.490C>G), located in coding exon 4 of the POT1 gene, results from a C to G substitution at nucleotide position 490. The leucine at codon 164 is replaced by valine, an amino acid with highly similar properties. This amino acid position is conserved. In addition, the in silico prediction for this alteration is inconclusive. Since supporting evidence is limited at this time, the clinical significance of this alteration remains unclear.

NM_015450.3(POT1):c.490C>G (p.Leu164Val)

Gene: POT1 (protection of telomeres 1; minus strand). Cytogenetic location: 7q31.33.
Variant type: single nucleotide variant.
Coding change: c.490C>G on transcript NM_015450.3 (MANE Select); coding-DNA position 490, C replaced by G.
Protein change: p.Leu164Val; replaces leucine 164 with valine.
Molecular consequence: missense variant. On other transcripts: non-coding transcript variant (3).
Genome position (GRCh38, 1-based): chr7:124,863,406, G>C on the plus strand (C>G on the coding strand, the complement: POT1 is on the minus strand). VCF-style: chr7-124863406-G-C. GRCh37 (hg19) VCF-style: chr7-124503460-G-C.
Other names: c.97C>G, p.Leu33Val (NM_001042594.2); short protein forms L164V, L33V.
Identifiers: ClinVar variation 2585760 (VCV002585760.2), dbSNP rs1795646395, ClinGen allele CA369058904.